The following is an entry in ClinVar:

NM_019892.6(INPP5E):c.1896A>C (p.Leu632=)

Gene: INPP5E (inositol polyphosphate-5-phosphatase E; minus strand). Cytogenetic location: 9q34.3.
Variant type: single nucleotide variant.
Coding change: c.1896A>C on transcript NM_019892.6 (MANE Select); coding-DNA position 1896, A replaced by C.
Protein change: p.Leu632=; no amino-acid change (leucine 632 retained).
Molecular consequence: synonymous variant.
Genome position (GRCh38, 1-based): chr9:136,429,714, T>G on the plus strand (A>C on the coding strand, the complement: INPP5E is on the minus strand). VCF-style: chr9-136429714-T-G. GRCh37 (hg19) VCF-style: chr9-139324166-T-G.
Other names: c.1893A>C, p.Leu631= (NM_001318502.2).
Identifiers: ClinVar variation 4989502 (VCV004989502.1).
Genomic context (GRCh38, chr9:136,429,714, plus strand): 5'-TGAGTCCTCGTTCAGCAAACTTCAAGAAACGGAGCAGATGGTGCTGGAGTTCTGACTCTG[T>G]AGTGCTTGCTGCCTCTGAATCTCCTTCGAAATCCGTCTTTTAATTCCTAGTAAGTACAGT-3'
Protein context (NP_063945.2, residues 622-642): ISKEIQRQQA[Leu632=]QSQNSSTICS

ClinVar aggregate classification (germline): Likely benign (1 of 4 stars; one submission).

Conditions:
INPP5E-related disorder. Also called: INPP5E-related condition.

gnomAD v4.1: 8 of 1,613,994 alleles (0.0005%); highest among the groups gnomAD compares: African/African-American, 0.011%; no homozygotes.

Submission:

PreventionGenetics, part of Exact Sciences
Classification: Likely benign for INPP5E-related condition. Last evaluated: 2025-07-29. Review status: criteria provided, single submitter. Criteria: ACMG Guidelines, 2015. Collection method: clinical testing. Allele origin: germline.
Comment: This variant is classified as likely benign based on ACMG/AMP sequence variant interpretation guidelines (Richards et al. 2015 PMID: 25741868, with internal and published modifications).